The following is an entry in ClinVar:

ClinVar aggregate classification (germline): Uncertain significance. Review status: criteria provided, multiple submitters, no conflicts (2 of 4 stars). 5 submissions from 5 submitters: Uncertain significance (5). Last evaluated 2025-05-14.

Conditions:
Hereditary cancer-predisposing syndrome. Also called: Neoplastic Syndromes, Hereditary; Tumor predisposition; Hereditary Cancer Syndrome; Hereditary neoplastic syndrome. Identifiers: Orphanet 140162, MedGen C0027672, MeSH D009386, MONDO:0015356.
Ataxia-telangiectasia-like disorder 1 (ATLD1). Identifiers: Orphanet 251347, MedGen C4012790, MONDO:0024557, OMIM 604391.
Ataxia-telangiectasia-like disorder (ATLD). Identifiers: MedGen C1858391, MONDO:0011457.

Allele frequency attached by ClinVar (database versions not stated): gnomAD below 0.00001 and 0.00003; TOPMed below 0.00001; ExAC 0.00002; gnomAD exomes 0.00002 and 0.00004.

Submissions (5):

Ambry Genetics
Classification: Uncertain significance for Hereditary cancer-predisposing syndrome. Last evaluated: 2025-05-14. Review status: criteria provided, single submitter. Criteria: Ambry Variant Classification Scheme 2023. Collection method: clinical testing. Allele origin: germline.

Labcorp Genetics (formerly Invitae), Labcorp
Classification: Uncertain significance for Ataxia-telangiectasia-like disorder. Last evaluated: 2025-05-12. Review status: criteria provided, single submitter. Criteria: Invitae Variant Classification Sherloc (09022015). Collection method: clinical testing. Allele origin: germline.
Comment: This sequence change replaces glutamine, which is neutral and polar, with lysine, which is basic and polar, at codon 170 of the MRE11 protein (p.Gln170Lys). This variant is present in population databases (rs587782030, gnomAD 0.03%). This variant has not been reported in the literature in individuals affected with MRE11-related conditions. ClinVar contains an entry for this variant (Variation ID: 306495). An algorithm developed to predict the effect of missense changes on protein structure and function (PolyPhen-2) suggests that this variant is likely to be tolerated. In summary, the available evidence is currently insufficient to determine the role of this variant in disease. Therefore, it has been classified as a Variant of Uncertain Significance.

Baylor Genetics
Classification: Uncertain significance for Ataxia-telangiectasia-like disorder 1. Last evaluated: 2023-08-29. Review status: criteria provided, single submitter. Criteria: ACMG Guidelines, 2015. Collection method: clinical testing. Allele origin: unknown.

Illumina Laboratory Services, Illumina
Classification: Uncertain significance for Ataxia-telangiectasia-like disorder 1. Last evaluated: 2018-01-13. Review status: criteria provided, single submitter. Criteria: ICSL Variant Classification Criteria 13 December 2019. Collection method: clinical testing. Allele origin: germline.

Neuberg Centre For Genomic Medicine, NCGM
Classification: Uncertain significance for Ataxia-telangiectasia-like disorder 1. Review status: criteria provided, single submitter. Criteria: ACMG Guidelines, 2015. Collection method: clinical testing. Allele origin: germline. Inheritance: Autosomal recessive inheritance. Affected: yes.
Comment: The missense variant c.508C>A (p.Gln170Lys) in MRE11 gene has not been reported previously as a pathogenic variant nor as a benign variant, to our knowledge. The p.Gln170Lys variant has been submitted allele frequency 0.0036% in gnomAD exomes and novel (not in any individuals) in 1000 Genomes. This variant has been reported to the ClinVar database as Uncertain Significance. The amino acid Gln at position 170 is changed to a Lys changing protein sequence and it might alter its composition and physico-chemical properties. The amino acid change p.Gln170Lys in MRE11 is predicted as conserved by GERP++ and PhyloP across 100 vertebrates. The p.Gln170Lys variant is novel (not in any individuals) in 1000 Genomes. For these reasons, this variant has been classified as Uncertain Significance (VUS). In the absence of second reportable variant/CNV, the molecular diagnosis is not confirmed.

NM_005591.4(MRE11):c.508C>A (p.Gln170Lys)

Gene: MRE11 (MRE11 double strand break repair nuclease; minus strand). Cytogenetic location: 11q21.
Variant type: single nucleotide variant.
Coding change: c.508C>A on transcript NM_005591.4 (MANE Select); coding-DNA position 508, C replaced by A.
Protein change: p.Gln170Lys; replaces glutamine 170 with lysine.
Molecular consequence: missense variant.
Genome position (GRCh38, 1-based): chr11:94,478,771, G>T on the plus strand (C>A on the coding strand, the complement: MRE11 is on the minus strand). VCF-style: chr11-94478771-G-T. GRCh37 (hg19) VCF-style: chr11-94211937-G-T.
Other names: c.508C>A, p.Gln170Lys (NM_001330347.2, NM_005590.4); short protein forms Q170K.
Identifiers: ClinVar variation 306495 (VCV000306495.13), dbSNP rs587782030, ClinGen allele CA6235382.